The following is an entry in ClinVar:

NM_015346.4(ZFYVE26):c.6495C>G (p.Phe2165Leu)

Gene: ZFYVE26 (zinc finger FYVE-type containing 26; minus strand). Cytogenetic location: 14q24.1.
Variant type: single nucleotide variant.
Coding change: c.6495C>G on transcript NM_015346.4 (MANE Select); coding-DNA position 6495, C replaced by G.
Protein change: p.Phe2165Leu; replaces phenylalanine 2165 with leucine.
Molecular consequence: missense variant.
Genome position (GRCh38, 1-based): chr14:67,761,459, G>C on the plus strand (C>G on the coding strand, the complement: ZFYVE26 is on the minus strand). VCF-style: chr14-67761459-G-C. GRCh37 (hg19) VCF-style: chr14-68228176-G-C.
Other names: short protein forms F2165L.
Identifiers: ClinVar variation 2047269 (VCV002047269.4), dbSNP rs766957750, ClinGen allele CA7239215.

ClinVar aggregate classification (germline): Uncertain significance (1 of 4 stars; one submission).

Conditions:
Spastic paraplegia. Identifiers: MedGen C0037772, HP:0001258.

Allele frequency attached by ClinVar (database versions not stated): ExAC 0.00002; gnomAD exomes below 0.00001; TOPMed 0.00001.
gnomAD v4.1: 2 of 1,614,208 alleles (0.00012%); highest among the groups gnomAD compares: Non-Finnish European, 0.00017%; no homozygotes.

Submission:

Labcorp Genetics (formerly Invitae), Labcorp
Classification: Uncertain significance for Spastic paraplegia. Last evaluated: 2022-10-13. Review status: criteria provided, single submitter. Criteria: Invitae Variant Classification Sherloc (09022015). Collection method: clinical testing. Allele origin: germline.
Comment: This sequence change replaces phenylalanine, which is neutral and non-polar, with leucine, which is neutral and non-polar, at codon 2165 of the ZFYVE26 protein (p.Phe2165Leu). This variant is present in population databases (rs766957750, gnomAD 0.002%). This variant has not been reported in the literature in individuals affected with ZFYVE26-related conditions. Algorithms developed to predict the effect of missense changes on protein structure and function (SIFT, PolyPhen-2, Align-GVGD) all suggest that this variant is likely to be tolerated. In summary, the available evidence is currently insufficient to determine the role of this variant in disease. Therefore, it has been classified as a Variant of Uncertain Significance.